The following is an entry in ClinVar:

NM_001127178.3(PIGG):c.813G>A (p.Met271Ile)

Gene: PIGG (phosphatidylinositol glycan anchor biosynthesis class G (EMM blood group); plus strand). Cytogenetic location: 4p16.3.
Variant type: single nucleotide variant.
Coding change: c.813G>A on transcript NM_001127178.3 (MANE Select); coding-DNA position 813, G replaced by A.
Protein change: p.Met271Ile; replaces methionine 271 with isoleucine.
Molecular consequence: missense variant. On other transcripts: 5 prime UTR variant (3), non-coding transcript variant (10), intron variant (1).
Genome position (GRCh38, 1-based): chr4:508,882, G>A. VCF-style: chr4-508882-G-A. GRCh37 (hg19) VCF-style: chr4-502671-G-A.
Other names: c.546G>A, p.Met182Ile (NM_001289051.2, NM_001289053.2, NM_001289057.2 and 2 more transcripts); c.414G>A, p.Met138Ile (NM_001289052.2); c.447G>A, p.Met149Ile (NM_001289055.2); c.813G>A, p.Met271Ile (NM_001345989.2, NM_017733.5); c.-813G>A (NM_001345990.2); c.-675G>A (NM_001345991.2); c.-400G>A (NM_001345994.2); c.-129+1289G>A (NM_001345988.2); short protein forms M138I, M271I, M149I, M182I.
Identifiers: ClinVar variation 1500388 (VCV001500388.6), dbSNP rs2108815187, ClinGen allele CA355899877.
Genomic context (GRCh38, chr4:508,882, plus strand): 5'-CTTAAAGGAGAGAGAGACGCCTTTACCCAATTTGCTGGTTCTTTGTGGTGACCATGGCAT[G>A]TCTGAAACAGGAAGTCACGGGGCCTCCTCCACCGAGGAGGTGAATACACCTCTGATTTTA-3'
Protein context (NP_001120650.1, residues 261-281): NLLVLCGDHG[Met271Ile]SETGSHGASS

ClinVar aggregate classification (germline): Uncertain significance (1 of 4 stars; one submission).

Conditions:
Intellectual disability, autosomal recessive 53 (NEDHSCA). Also called: NEURODEVELOPMENTAL DISORDER WITH OR WITHOUT HYPOTONIA, SEIZURES, AND CEREBELLAR ATROPHY; GLYCOSYLPHOSPHATIDYLINOSITOL BIOSYNTHESIS DEFECT 13; Mental retardation, autosomal recessive 53. Identifiers: Orphanet 488635, MedGen C4310794, MONDO:0014832, OMIM 616917.

Submission:

Labcorp Genetics (formerly Invitae), Labcorp
Classification: Uncertain significance for Intellectual disability, autosomal recessive 53. Last evaluated: 2022-07-19. Review status: criteria provided, single submitter. Criteria: Invitae Variant Classification Sherloc (09022015). Collection method: clinical testing. Allele origin: germline.
Comment: In summary, the available evidence is currently insufficient to determine the role of this variant in disease. Therefore, it has been classified as a Variant of Uncertain Significance. Algorithms developed to predict the effect of missense changes on protein structure and function are either unavailable or do not agree on the potential impact of this missense change (SIFT: "Deleterious"; PolyPhen-2: "Probably Damaging"; Align-GVGD: "Class C0"). ClinVar contains an entry for this variant (Variation ID: 1500388). This variant has not been reported in the literature in individuals affected with PIGG-related conditions. This variant is not present in population databases (gnomAD no frequency). This sequence change replaces methionine, which is neutral and non-polar, with isoleucine, which is neutral and non-polar, at codon 271 of the PIGG protein (p.Met271Ile).